The following is an entry in ClinVar:

NM_022455.5(NSD1):c.3541_3544del (p.Glu1181fs)

Gene: NSD1 (nuclear receptor binding SET domain protein 1; plus strand). Cytogenetic location: 5q35.3.
Variant type: Microsatellite.
Coding change: c.3541_3544del on transcript NM_022455.5 (MANE Select); coding-DNA positions 3541 to 3544, 4 bases deleted (GAAA; older notation c.3541_3544delGAAA).
Protein change: p.Glu1181fs; shifts the reading frame from glutamic acid 1181.
Molecular consequence: frameshift variant.
Genome position (GRCh38, 1-based): chr5:177,211,940-177,211,943, GAAA deleted; deleting any 4 consecutive bases within chr5:177,211,935-177,211,943 gives the same sequence; the c. name uses the placement nearest the transcript's 3' end. VCF-style (leftmost placement, unchanged base first): chr5-177211934-GAGAA-G. GRCh37 (hg19) VCF-style: chr5-176638935-GAGAA-G.
Other names: c.2664_2667GAAA[1], p.Glu890Thrfs (NM_001365684.2, NM_001409306.1, NM_001409307.1 and 3 more transcripts); c.3537_3540GAAA[1], p.Glu1181Thrfs (NM_001409301.1, NM_001409302.1, NM_001409303.1); c.3117_3120GAAA[1], p.Glu1041Thrfs (NM_001409304.1); c.2784_2787GAAA[1], p.Glu930Thrfs (NM_001409305.1); short protein forms E1181fs, E912fs.
Identifiers: ClinVar variation 1809719 (VCV001809719.1), dbSNP rs2480466649, ClinGen allele CA2580614805.

ClinVar aggregate classification (germline): Pathogenic (1 of 4 stars; one submission).

Submission:

Athena Diagnostics
Classification: Pathogenic. Last evaluated: 2020-05-08. Review status: criteria provided, single submitter. Criteria: Athena Diagnostics Criteria. Collection method: clinical testing. Allele origin: unknown.
Comment: This variant is expected to result in the loss of a functional protein. This variant has not been reported in large, multi-ethnic general populations. This variant has been identified in at least one individual with clinical features associated with this gene (PMID: 14571271).This observation is not an independent occurrence and has been identified in the same individual by RCIGM, the other laboratory participating in the GEMINI study.